The following is an entry in ClinVar:

NM_000540.3(RYR1):c.13724A>G (p.Asn4575Ser)

Gene: RYR1 (ryanodine receptor 1; plus strand). Cytogenetic location: 19q13.2.
Variant type: single nucleotide variant.
Coding change: c.13724A>G on transcript NM_000540.3 (MANE Select); coding-DNA position 13724, A replaced by G.
Protein change: p.Asn4575Ser; replaces asparagine 4575 with serine.
Molecular consequence: missense variant.
Genome position (GRCh38, 1-based): chr19:38,570,671, A>G. VCF-style: chr19-38570671-A-G. GRCh37 (hg19) VCF-style: chr19-39061311-A-G.
Other names: c.13709A>G, p.Asn4570Ser (NM_001042723.2); short protein forms N4570S, N4575S.
Identifiers: ClinVar variation 1508627 (VCV001508627.8), dbSNP rs1568591803, ClinGen allele CA405678921.

ClinVar aggregate classification (germline): Likely pathogenic (1 of 4 stars; one submission).

Conditions:
RYR1-related disorder. Also called: RYR1-related condition; RYR1-related disorders. Identifiers: MedGen CN239331.

Allele frequency attached by ClinVar (database versions not stated): TOPMed below 0.00001; gnomAD 0.00001.
gnomAD v4.1: 1 of 1,613,804 alleles (0.000062%); highest among the groups gnomAD compares: Non-Finnish European, 0.000085%; no homozygotes.

Submission:

Labcorp Genetics (formerly Invitae), Labcorp
Classification: Likely pathogenic for RYR1-related disorder. Last evaluated: 2021-02-19. Review status: criteria provided, single submitter. Criteria: Invitae Variant Classification Sherloc (09022015). Collection method: clinical testing. Allele origin: germline.
Comment: This variant has not been reported in the literature in individuals with RYR1-related conditions. This sequence change replaces asparagine with serine at codon 4575 of the RYR1 protein (p.Asn4575Ser). The asparagine residue is moderately conserved and there is a small physicochemical difference between asparagine and serine. This variant is not present in population databases (ExAC no frequency). Advanced modeling of protein sequence and biophysical properties (such as structural, functional, and spatial information, amino acid conservation, physicochemical variation, residue mobility, and thermodynamic stability) performed at Invitae indicates that this missense variant is expected to disrupt RYR1 protein function. Algorithms developed to predict the effect of sequence changes on RNA splicing suggest that this variant may create or strengthen a splice site, but this prediction has not been confirmed by published transcriptional studies. This variant disrupts the p.Asn4575 amino acid residue in RYR1. Other variant(s) that disrupt this residue have been determined to be pathogenic (PMID: 29701772, 30155738, Invitae). This suggests that this residue is clinically significant, and that variants that disrupt this residue are likely to be disease-causing. In summary, the currently available evidence indicates that the variant is pathogenic, but additional data are needed to prove that conclusively. Therefore, this variant has been classified as Likely Pathogenic.

Literature cited by the submitters: PubMed 29701772; PubMed 30155738.